The following is an entry in ClinVar:

NM_001134363.3(RBM20):c.2518G>A (p.Asp840Asn)

Gene: RBM20 (RNA binding motif protein 20; plus strand). Cytogenetic location: 10q25.2.
Variant type: single nucleotide variant.
Coding change: c.2518G>A on transcript NM_001134363.3 (MANE Select); coding-DNA position 2518, G replaced by A.
Protein change: p.Asp840Asn; replaces aspartic acid 840 with asparagine.
Molecular consequence: missense variant.
Genome position (GRCh38, 1-based): chr10:110,812,915, G>A. VCF-style: chr10-110812915-G-A. GRCh37 (hg19) VCF-style: chr10-112572673-G-A.
Other names: short protein forms D840N.
Identifiers: ClinVar variation 641486 (VCV000641486.11), dbSNP rs1029261119, ClinGen allele CA213224430.

ClinVar aggregate classification (germline): Conflicting classifications of pathogenicity. Review status: criteria provided, conflicting classifications (1 of 4 stars). 3 submissions from 3 submitters: Uncertain significance (1); Likely benign (2). Last evaluated 2025-12-19.

Conditions:
Cardiovascular phenotype. Identifiers: MedGen CN230736.
Dilated cardiomyopathy 1DD (CMD1DD). Identifiers: Orphanet 154, MedGen C2750995, MONDO:0013168, OMIM 613172.

Allele frequency attached by ClinVar (database versions not stated): gnomAD exomes 0.00001; gnomAD 0.00003 and 0.00004; TOPMed 0.00005.
gnomAD v4.1: 16 of 1,453,186 alleles (0.0011%); highest among the groups gnomAD compares: Non-Finnish European, 0.0012%; no homozygotes.

Submissions (3):

Labcorp Genetics (formerly Invitae), Labcorp
Classification: Likely benign for Dilated cardiomyopathy 1DD. Last evaluated: 2025-12-19. Review status: criteria provided, single submitter. Criteria: Invitae Variant Classification Sherloc (09022015). Collection method: clinical testing. Allele origin: germline.

Ambry Genetics
Classification: Likely benign for Cardiovascular phenotype. Last evaluated: 2023-11-30. Review status: criteria provided, single submitter. Criteria: Ambry Variant Classification Scheme 2023. Collection method: clinical testing. Allele origin: germline.

GeneDx
Classification: Uncertain significance. Last evaluated: 2020-01-03. Review status: criteria provided, single submitter. Criteria: GeneDx Variant Classification Process June 2021. Collection method: clinical testing. Allele origin: germline. Affected: yes.
Comment: Has not been previously published as pathogenic or benign to our knowledge; Reported in ClinVar as a variant of uncertain significance (ClinVar Variant ID# 641486; Landrum et al., 2016); Not observed at a significant frequency in large population cohorts (Lek et al., 2016); In silico analysis, which includes protein predictors and evolutionary conservation, supports that this variant does not alter protein structure/function